The following is an entry in ClinVar:

NM_002637.4(PHKA1):c.2150A>G (p.Tyr717Cys)

Gene: PHKA1 (phosphorylase kinase regulatory subunit alpha 1; minus strand). Cytogenetic location: Xq13.1.
Variant type: single nucleotide variant.
Coding change: c.2150A>G on transcript NM_002637.4 (MANE Select); coding-DNA position 2150, A replaced by G.
Protein change: p.Tyr717Cys; replaces tyrosine 717 with cysteine.
Molecular consequence: missense variant.
Genome position (GRCh38, 1-based): chrX:72,619,293, T>C on the plus strand (A>G on the coding strand, the complement: PHKA1 is on the minus strand). VCF-style: chrX-72619293-T-C. GRCh37 (hg19) VCF-style: chrX-71839143-T-C.
Other names: c.2150A>G, p.Tyr717Cys (NM_001122670.2, NM_001431068.1); c.1973A>G, p.Tyr658Cys (NM_001172436.2); short protein forms Y658C, Y717C.
Identifiers: ClinVar variation 3896940 (VCV003896940.1).

ClinVar aggregate classification (germline): Uncertain significance (1 of 4 stars; one submission).

Conditions:
Glycogen storage disease IXd (GSD9D). Also called: GSD IXd; Muscle Phosphorylase Kinase Deficiency. Identifiers: Orphanet 715, MedGen C1845151, MONDO:0010362, OMIM 300559.

gnomAD v4.1: 1 of 1,166,036 alleles (0.000086%); highest among the groups gnomAD compares: South Asian, 0.0018%; no homozygotes.

Submission:

Kariminejad - Najmabadi Pathology & Genetics Center
Classification: Uncertain significance for Glycogen storage disease IXd. Last evaluated: 2018-02-15. Review status: criteria provided, single submitter. Criteria: ACMG Guidelines, 2015. Collection method: clinical testing. Allele origin: germline. Inheritance: X-linked inheritance. Affected: yes.
Comment: PM2,PP3